The following is an entry in ClinVar:

NM_001244008.2(KIF1A):c.1090C>G (p.Pro364Ala)

Gene: KIF1A (kinesin family member 1A; minus strand). Cytogenetic location: 2q37.3.
Variant type: single nucleotide variant.
Coding change: c.1090C>G on transcript NM_001244008.2 (MANE Select); coding-DNA position 1090, C replaced by G.
Protein change: p.Pro364Ala; replaces proline 364 with alanine.
Molecular consequence: missense variant.
Genome position (GRCh38, 1-based): chr2:240,773,204, G>C on the plus strand (C>G on the coding strand, the complement: KIF1A is on the minus strand). VCF-style: chr2-240773204-G-C. GRCh37 (hg19) VCF-style: chr2-241712621-G-C.
Other names: c.1090C>G, p.Pro364Ala (NM_001320705.2, NM_001330289.2, NM_001330290.2 and 20 more transcripts); short protein forms P364A.
Identifiers: ClinVar variation 4885349 (VCV004885349.2).

ClinVar aggregate classification (germline): Uncertain significance (1 of 4 stars; one submission).

Submission:

Dasa
Classification: Uncertain significance. Last evaluated: 2026-04-10. Review status: criteria provided, single submitter. Criteria: DASA Assertion Criteria. Collection method: clinical testing. Allele origin: germline.
Comment: NM_001244008.2(KIF1A):c.1090C>G (p.Pro364Ala) is a missense variant that results in the substitution of proline with alanine. The affected residue or protein region has prior evidence supporting clinical relevance. This variant is absent from population databases. Computational prediction algorithms are consistent with a deleterious effect. The currently available literature and clinical evidence are not sufficient to establish a definitive association between this variant and the reported condition. Therefore, this variant is classified as a variant of uncertain significance.